The following is an entry in ClinVar:

NM_002303.6(LEPR):c.2674-5990_2674-5989del

Gene: LEPR (leptin receptor; plus strand). Cytogenetic location: 1p31.3.
Variant type: Deletion.
Coding change: c.2674-5990_2674-5989del on transcript NM_002303.6 (MANE Select); 5990 bases into the intron before coding-DNA position 2674 through 5989 bases into the intron before coding-DNA position 2674, 2 bases deleted (GA; older notation c.2674-5990_2674-5989delGA).
Molecular consequence: intron variant. On other transcripts: splice acceptor variant (3).
Genome position (GRCh38, 1-based): chr1:65,630,201-65,630,202, GA deleted; deleting any 2 consecutive bases within chr1:65,630,200-65,630,202 gives the same sequence; the c. name uses the placement nearest the transcript's 3' end. VCF-style (leftmost placement, unchanged base first): chr1-65630199-CAG-C. GRCh37 (hg19) VCF-style: chr1-66095882-CAG-C.
Other names: c.2674-2951_2674-2950del (NM_001003679.3, NM_001198689.2); c.2674-1_2674del (NM_001003680.3, NM_001198687.2); c.2674-1_2674delGA (NM_001003680.3).
Identifiers: ClinVar variation 4994904 (VCV004994904.1).

ClinVar aggregate classification (germline): Uncertain significance (1 of 4 stars; one submission).

Conditions:
LEPR-related disorder. Also called: LEPR-related condition; LEPR-related disorders.

Submission:

PreventionGenetics, part of Exact Sciences
Classification: Uncertain significance for LEPR-related condition. Last evaluated: 2025-12-08. Review status: criteria provided, single submitter. Criteria: ACMG Guidelines, 2015. Collection method: clinical testing. Allele origin: germline.
Comment: The LEPR c.2674-1_2674delGA variant is predicted to result in a deletion affecting a canonical splice site. This variant is not predicted to alter splicing based on available splicing prediction software in the canonical transcript NM_002303 (SpliceAI, Jaganathan et al. 2019. PubMed ID: 30661751). However, the use of computer prediction softwares is not equivalent to functional evidence. In an alternative transcript this variant spans canonical acceptor splice site and is predicted to affect splicing (NM_001003680:c.2674-1_2674delGA). To our knowledge, this variant has not been reported in the literature or in a large population database (gnomAD), indicating this variant is rare. At this time, the clinical significance of this variant is uncertain due to the absence of conclusive functional and genetic evidence.